The following is an entry in ClinVar:

NM_025114.4(CEP290):c.7048C>T (p.Gln2350Ter)

Gene: CEP290 (centrosomal protein 290; minus strand). Cytogenetic location: 12q21.32.
Variant type: single nucleotide variant.
Coding change: c.7048C>T on transcript NM_025114.4 (MANE Select); coding-DNA position 7048, C replaced by T.
Protein change: p.Gln2350Ter; replaces glutamine 2350 with a stop codon.
Molecular consequence: nonsense.
Genome position (GRCh38, 1-based): chr12:88,053,733, G>A on the plus strand (C>T on the coding strand, the complement: CEP290 is on the minus strand). VCF-style: chr12-88053733-G-A. GRCh37 (hg19) VCF-style: chr12-88447510-G-A.
Other names: c.7048C>T (NM_025114.3); short protein forms Q2350*.
Identifiers: ClinVar variation 806915 (VCV000806915.55), dbSNP rs375548374, ClinGen allele CA6711362.

ClinVar aggregate classification (germline): Pathogenic. Review status: criteria provided, multiple submitters, no conflicts (2 of 4 stars). 10 submissions from 10 submitters: Pathogenic (10). Last evaluated 2026-09-17.

Conditions:
CEP290-related ciliopathy. Also called: CEP290 ciliopathy. Identifiers: MedGen CN305601, MONDO:0100451.
Retinal dystrophy. Also called: Inherited retinal dystrophy. Identifiers: Orphanet 71862, MedGen C0854723, MeSH D058499, MONDO:0019118, HP:0000556.
Senior-Loken syndrome 6 (SLSN6). Identifiers: Orphanet 3156, MedGen C1857779, MONDO:0012433, OMIM 610189.
Meckel syndrome, type 4 (MKS4). Also called: MECKEL-GRUBER SYNDROME, TYPE 4. Identifiers: Orphanet 564, MedGen C1970161, MONDO:0012626, OMIM 611134.
Bardet-Biedl syndrome 14 (BBS14). Identifiers: Orphanet 110, MedGen C2673874, MONDO:0014442, OMIM 615991.
Leber congenital amaurosis 10 (LCA10). Identifiers: Orphanet 65, MedGen C1857821, MONDO:0012723, OMIM 611755.
Joubert syndrome 5 (JBTS5). Identifiers: Orphanet 2318, MedGen C1857780, MONDO:0012432, OMIM 610188.
Leber congenital amaurosis (LCA). Also called: Leber's amaurosis. Identifiers: Orphanet 65, MedGen C0339527, MeSH D057130, MONDO:0018998.
CEP290-related disorder. Also called: CEP290-related disorders; CEP290-related condition. Identifiers: MedGen CN239314.
Joubert syndrome. Also called: JOUBERT-BOLTSHAUSER SYNDROME; Familial aplasia of the vermis. Identifiers: Orphanet 475, MedGen C5979921, MONDO:0018772.
Meckel-Gruber syndrome. Also called: DYSENCEPHALIA SPLANCHNOCYSTICA; GRUBER SYNDROME; Dysencephalia splachnocystica. Identifiers: Orphanet 564, MedGen C0265215, MONDO:0018921.
Nephronophthisis. Also called: Juvenile Nephronophthisis. Identifiers: Orphanet 655, MedGen C0687120, MONDO:0019005, HP:0000090.

Allele frequency attached by ClinVar (database versions not stated): gnomAD exomes 0.00002; TOPMed 0.00002; gnomAD 0.00003; ExAC 0.00004; ESP Exome Variant Server 0.00008.
gnomAD v4.1: 32 of 1,522,198 alleles (0.0021%); highest among the groups gnomAD compares: Non-Finnish European, 0.0028%; no homozygotes.

Submissions (10):

PreventionGenetics, part of Exact Sciences
Classification: Pathogenic for CEP290-related condition. Last evaluated: 2026-09-17. Review status: criteria provided, single submitter. Criteria: ACMG Guidelines, 2015. Collection method: clinical testing. Allele origin: germline.
Comment: The CEP290 c.7048C>T variant is predicted to result in premature protein termination (p.Gln2350*). This variant was reported along with second CEP290 variant in an individual with early childhood onset retinal dystrophy and in an individual with Leber congenital amaurosis (Table S1, Stone et al. 2017. PubMed ID: 28559085; Table 1, Feldhaus et al. 2020. PubMed ID: 31734136). This variant is reported in 0.0046% of alleles in individuals of European (Non-Finnish) descent in gnomAD. Nonsense variants in CEP290 are expected to be pathogenic. This variant is interpreted as pathogenic.

Natera, Inc.
Classification: Pathogenic for Leber congenital amaurosis. Last evaluated: 2025-08-13. Review status: criteria provided, single submitter. Criteria: Natera Variant Classification Schema (03/2026). Collection method: clinical testing. Allele origin: germline.
Comment: The c.7048C>T variant in CEP290 is a nonsense variant predicted to introduce a stop codon at amino acid 2350. This variant is expected to result in nonsense mediated decay, truncation, or a dysfunctional protein product. This variant is rare in the general population with a frequency below the threshold expected for the associated phenotype(s). This variant has been observed in one or more individuals affected with the associated recessive disease, as either homozygous or compound heterozygous with a second variant (PMID: 29398085). Given the available evidence, this variant is classified as Pathogenic.

Centre for Clinical Genetics and Genomic Diagnostics, Zealand University Hospital
Classification: Pathogenic. Last evaluated: 2024-12-17. Review status: criteria provided, single submitter. Criteria: ACMG Guidelines, 2015. Collection method: clinical testing. Allele origin: germline. Affected: yes.
Comment: Compound heterozygous

Blueprint Genetics
Classification: Pathogenic for CEP290-related disorders. Last evaluated: 2024-10-22. Review status: criteria provided, single submitter. Criteria: ACMG Guidelines, 2015. Collection method: clinical testing. Allele origin: germline. Affected: yes. Observed: 5 variant alleles.

Fulgent Genetics
Classification: Pathogenic for Joubert syndrome 5; Senior-Loken syndrome 6; Meckel syndrome, type 4; Leber congenital amaurosis 10; Bardet-Biedl syndrome 14. Last evaluated: 2024-05-30. Review status: criteria provided, single submitter. Criteria: ACMG Guidelines, 2015. Collection method: clinical testing. Allele origin: germline.

Myriad Genetics, Inc.
Classification: Pathogenic for CEP290-related ciliopathy. Last evaluated: 2024-05-18. Review status: criteria provided, single submitter. Criteria: Myriad Autosomal Dominant, Autosomal Recessive and X-Linked Classification Criteria (2023). Collection method: clinical testing. Allele origin: unknown.
Comment: NM_025114.3(CEP290):c.7048C>T(Q2350*) is expected to be pathogenic in the context of CEP290-related disorders. This variant is predicted to lead to an abnormal or absent protein product due to the creation of a premature termination codon in CEP290, a gene where loss-of-function variants are known to be pathogenic. Please note: this variant was assessed in the context of healthy population screening.

Labcorp Genetics (formerly Invitae), Labcorp
Classification: Pathogenic for Joubert syndrome; Meckel-Gruber syndrome; Nephronophthisis. Last evaluated: 2024-02-14. Review status: criteria provided, single submitter. Criteria: Invitae Variant Classification Sherloc (09022015). Collection method: clinical testing. Allele origin: germline.
Comment: This sequence change creates a premature translational stop signal (p.Gln2350*) in the CEP290 gene. It is expected to result in an absent or disrupted protein product. Loss-of-function variants in CEP290 are known to be pathogenic (PMID: 16909394, 17345604, 20690115). The frequency data for this variant in the population databases is considered unreliable, as metrics indicate poor data quality at this position in the gnomAD database. This premature translational stop signal has been observed in individual(s) with CEP290-related conditions (PMID: 28559085). ClinVar contains an entry for this variant (Variation ID: 806915). For these reasons, this variant has been classified as Pathogenic.

Baylor Genetics
Classification: Pathogenic for Bardet-Biedl syndrome 14. Last evaluated: 2023-10-12. Review status: criteria provided, single submitter. Criteria: ACMG Guidelines, 2015. Collection method: clinical testing. Allele origin: unknown.

Institute of Human Genetics, Univ. Regensburg, Univ. Regensburg
Classification: Pathogenic for Retinal dystrophy. Last evaluated: 2022-01-01. Review status: criteria provided, single submitter. Criteria: ACMG Guidelines, 2015. Collection method: clinical testing. Allele origin: germline. Affected: yes.

CeGaT Center for Human Genetics Tuebingen
Classification: Pathogenic. Last evaluated: 2019-05-01. Review status: criteria provided, single submitter. Criteria: CeGaT Center For Human Genetics Tuebingen Variant Classification Criteria Version 2. Collection method: clinical testing. Allele origin: germline. Affected: yes. Observed: 2 variant alleles.

Literature cited by the submitters: PubMed 29398085 (cited by Natera, Inc. and Institute of Human Genetics, Univ. Regensburg, Univ. Regensburg); PubMed 16909394 (cited by Labcorp Genetics (formerly Invitae), Labcorp); PubMed 17345604 (cited by Labcorp Genetics (formerly Invitae), Labcorp); PubMed 20690115 (cited by Labcorp Genetics (formerly Invitae), Labcorp); PubMed 28559085 (cited by Labcorp Genetics (formerly Invitae), Labcorp and Institute of Human Genetics, Univ. Regensburg, Univ. Regensburg); PubMed 31734136 (cited by Institute of Human Genetics, Univ. Regensburg, Univ. Regensburg); PubMed 32531858 (cited by Institute of Human Genetics, Univ. Regensburg, Univ. Regensburg).